The following is an entry in ClinVar:

ClinVar aggregate classification (germline): Uncertain significance (1 of 4 stars; one submission).

Conditions:
Inborn genetic diseases. Identifiers: MedGen C0950123, MeSH D030342.

Submission:

Ambry Genetics
Classification: Uncertain significance for Inborn genetic diseases. Last evaluated: 2024-01-31. Review status: criteria provided, single submitter. Criteria: Ambry Variant Classification Scheme 2023. Collection method: clinical testing. Allele origin: germline.
Comment: The p.D721Y variant (also known as c.2161G>T), located in coding exon 13 of the EPAS1 gene, results from a G to T substitution at nucleotide position 2161. The aspartic acid at codon 721 is replaced by tyrosine, an amino acid with highly dissimilar properties. This amino acid position is conserved. In addition, this alteration is predicted to be tolerated by in silico analysis. Based on the available evidence, the clinical significance of this alteration remains unclear.

NM_001430.5(EPAS1):c.2161G>T (p.Asp721Tyr)

Gene: EPAS1 (endothelial PAS domain protein 1; plus strand). Cytogenetic location: 2p21.
Variant type: single nucleotide variant.
Coding change: c.2161G>T on transcript NM_001430.5 (MANE Select); coding-DNA position 2161, G replaced by T.
Protein change: p.Asp721Tyr; replaces aspartic acid 721 with tyrosine.
Molecular consequence: missense variant.
Genome position (GRCh38, 1-based): chr2:46,381,711, G>T. VCF-style: chr2-46381711-G-T. GRCh37 (hg19) VCF-style: chr2-46608850-G-T.
Other names: short protein forms D721Y.
Identifiers: ClinVar variation 3221606 (VCV003221606.1), dbSNP rs2546479634, ClinGen allele CA346705663.